The following is an entry in ClinVar:

ClinVar aggregate classification (germline): Uncertain significance (1 of 4 stars; one submission).

gnomAD v4.1: 1 of 1,613,870 alleles (0.000062%); highest among the groups gnomAD compares: Non-Finnish European, 0.000085%; no homozygotes.

Submission:

Clinical Genomics Laboratory, Stanford Medicine
Classification: Uncertain significance. Last evaluated: 2022-06-24. Review status: criteria provided, single submitter. Criteria: ACMG Guidelines, 2015. Collection method: clinical testing. Allele origin: germline. Observed: 1 variant allele, 1 heterozygote.
Comment: The p.Pro1200Ser variant in the ANK2 gene has not been previously reported in association with disease. This variant was absent from large population databases, including the Genome Aggregation Database. This variant is present in ClinVar (Variation ID: 809663). Computational tools predict that this variant is deleterious; however, the accuracy of in silico algorithms is limited. These data were assessed using the ACMG/AMP variant interpretation guidelines. In summary, the significance of the p.Pro1200Ser variant is uncertain. Additional information is needed to resolve the significance of this variant. [ACMG evidence codes used: PM2; PP3]

NM_001148.6(ANK2):c.3598C>T (p.Pro1200Ser)

Gene: ANK2 (ankyrin 2; plus strand). Cytogenetic location: 4q26.
Variant type: single nucleotide variant.
Coding change: c.3598C>T on transcript NM_001148.6 (MANE Select); coding-DNA position 3598, C replaced by T.
Protein change: p.Pro1200Ser; replaces proline 1200 with serine.
Molecular consequence: missense variant. On other transcripts: 5 prime UTR variant (2).
Genome position (GRCh38, 1-based): chr4:113,336,583, C>T. VCF-style: chr4-113336583-C-T. GRCh37 (hg19) VCF-style: chr4-114257739-C-T.
Other names: c.3571C>T, p.Pro1191Ser (NM_001127493.3); c.3610C>T, p.Pro1204Ser (NM_001354225.2); c.3499C>T, p.Pro1167Ser (NM_001354228.2, NM_001354258.2); c.3577C>T, p.Pro1193Ser (NM_001354230.2); c.3640C>T, p.Pro1214Ser (NM_001354231.2, NM_001354242.2); c.3634C>T, p.Pro1212Ser (NM_001354232.2); c.3595C>T, p.Pro1199Ser (NM_001354235.2, NM_001354246.2, NM_001354265.2); c.3496C>T, p.Pro1166Ser (NM_001354236.2); and 31 more; short protein forms P1100S, P1133S, P1134S, P1138S, P1146S, P1200S, P1204S, P1212S.
Identifiers: ClinVar variation 3765489 (VCV003765489.1), dbSNP rs1588503078.